The following is an entry in ClinVar:

NM_002334.4(LRP4):c.1623T>C (p.Asp541=)

Gene: LRP4 (LDL receptor related protein 4; minus strand). Cytogenetic location: 11p11.2.
Variant type: single nucleotide variant.
Coding change: c.1623T>C on transcript NM_002334.4 (MANE Select); coding-DNA position 1623, T replaced by C.
Protein change: p.Asp541=; no amino-acid change (aspartic acid 541 retained).
Molecular consequence: synonymous variant.
Genome position (GRCh38, 1-based): chr11:46,893,047, A>G on the plus strand (T>C on the coding strand, the complement: LRP4 is on the minus strand). VCF-style: chr11-46893047-A-G. GRCh37 (hg19) VCF-style: chr11-46914598-A-G.
Other names: p.Asp541=.
Identifiers: ClinVar variation 304885 (VCV000304885.27), dbSNP rs10769215, ClinGen allele CA5970100.

ClinVar aggregate classification (germline): Benign/Likely benign. Review status: criteria provided, multiple submitters, no conflicts (2 of 4 stars). 11 submissions from 9 submitters: Benign (8); Likely benign (1). 2 of the submissions do not count toward it. Last evaluated 2026-02-04.

Conditions:
Sclerosteosis 2 (SOST2). Identifiers: Orphanet 3152, MedGen C3280402, MONDO:0013679, OMIM 614305.
Cenani-Lenz syndactyly syndrome. Also called: CENANI SYNDACTYLISM; SYNDACTYLY, TYPE VII. Identifiers: Orphanet 3258, MedGen C1859309, MONDO:0008931, OMIM 212780.
Congenital myasthenic syndrome 17. Identifiers: Orphanet 590, MedGen C4225377, MONDO:0014578, OMIM 616304.

Allele frequency attached by ClinVar (database versions not stated): 1000 Genomes Project 30x 0.99453; 1000 Genomes Project 0.99461; ESP Exome Variant Server 0.99577; gnomAD 0.99630 and 0.99652; TOPMed 0.99639; ExAC 0.99887; gnomAD exomes 0.99910.

Submissions (11):

Labcorp Genetics (formerly Invitae), Labcorp
Classification: Benign for Cenani-Lenz syndactyly syndrome; Sclerosteosis 2; Congenital myasthenic syndrome 17. Last evaluated: 2026-02-04. Review status: criteria provided, single submitter. Criteria: Invitae Variant Classification Sherloc (09022015). Collection method: clinical testing. Allele origin: germline.

Blueprint Genetics
Classification: Likely benign. Last evaluated: 2024-11-27. Review status: criteria provided, single submitter. Criteria: ACMG Guidelines, 2015. Collection method: clinical testing. Allele origin: germline.

Mayo Clinic Laboratories, Mayo Clinic
Classification: Benign. Last evaluated: 2022-03-25. Review status: criteria provided, single submitter. Criteria: ACMG Guidelines, 2015. Collection method: clinical testing. Allele origin: germline. Observed: 438 variant alleles.

Genome-Nilou Lab
Classification: Benign for Congenital myasthenic syndrome 17. Last evaluated: 2021-08-19. Review status: criteria provided, single submitter. Criteria: ACMG Guidelines, 2015. Collection method: clinical testing. Allele origin: germline. Affected: no.

Genome-Nilou Lab
Classification: Benign for Cenani-Lenz syndactyly syndrome. Last evaluated: 2021-08-19. Review status: criteria provided, single submitter. Criteria: ACMG Guidelines, 2015. Collection method: clinical testing. Allele origin: germline. Affected: no.

Genome-Nilou Lab
Classification: Benign for Sclerosteosis 2. Last evaluated: 2021-08-19. Review status: criteria provided, single submitter. Criteria: ACMG Guidelines, 2015. Collection method: clinical testing. Allele origin: germline. Affected: no.

GeneDx
Classification: Benign. Last evaluated: 2018-07-05. Review status: criteria provided, single submitter. Criteria: GeneDx Variant Classification Process June 2021. Collection method: clinical testing. Allele origin: germline. Affected: yes.

Illumina Laboratory Services, Illumina
Classification: Benign for Cenani-Lenz syndactyly syndrome. Last evaluated: 2018-01-13. Review status: criteria provided, single submitter. Criteria: ICSL Variant Classification Criteria 13 December 2019. Collection method: clinical testing. Allele origin: germline.
Comment: This variant was observed in the ICSL laboratory as part of a predisposition screen in an ostensibly healthy population. It had not been previously curated by ICSL or reported in the Human Gene Mutation Database (HGMD: prior to June 1st, 2018), and was therefore a candidate for classification through an automated scoring system. Utilizing variant allele frequency, disease prevalence and penetrance estimates, and inheritance mode, an automated score was calculated to assess if this variant is too frequent to cause the disease. Based on the score and internal cut-off values, a variant classified as benign is not then subjected to further curation. The score for this variant resulted in a classification of benign for this disease.

Breakthrough Genomics
Classification: Benign. Review status: criteria provided, single submitter. Criteria: ACMG Guidelines, 2015. Collection method: not provided. Allele origin: germline. Inheritance: Autosomal recessive inheritance. Affected: yes.

Diagnostic Laboratory, Department of Genetics, University Medical Center Groningen
Classification: Benign. Review status: no assertion criteria provided. Collection method: clinical testing. Allele origin: germline. Affected: yes. Study: VKGL Data-share Consensus. Not counted in ClinVar's aggregate classification.

Joint Genome Diagnostic Labs from Nijmegen and Maastricht, Radboudumc and MUMC+
Classification: Benign. Review status: no assertion criteria provided. Collection method: clinical testing. Allele origin: germline. Affected: yes. Study: VKGL Data-share Consensus. Not counted in ClinVar's aggregate classification.